The following is an entry in ClinVar:

NM_006852.6(TLK2):c.1121+1011A>G

Gene: TLK2 (tousled like kinase 2; plus strand). Cytogenetic location: 17q23.2.
Variant type: single nucleotide variant.
Coding change: c.1121+1011A>G on transcript NM_006852.6 (MANE Select); 1011 bases into the intron after coding-DNA position 1121, A replaced by G.
Molecular consequence: intron variant. On other transcripts: synonymous variant (1).
Genome position (GRCh38, 1-based): chr17:62,574,378, A>G. VCF-style: chr17-62574378-A-G. GRCh37 (hg19) VCF-style: chr17-60651739-A-G.
Other names: c.1155A>G, p.Thr385= (NM_001284333.3); c.1121+1011A>G (NM_001375271.1, NM_001375270.1); c.1025+1011A>G (NM_001438204.1, NM_001375272.1, NM_001438203.1 and 1 more transcripts); c.674+1011A>G (NM_001375273.1, NM_001330418.3); c.836+1011A>G (NM_001411074.1); c.932+1011A>G (NM_001438205.1); c.1163+1011A>G (NM_001375269.1).
Identifiers: ClinVar variation 4874718 (VCV004874718.2).

ClinVar aggregate classification (germline): Likely benign (1 of 4 stars; one submission).

gnomAD v4.1: 1 of 1,533,330 alleles (0.000065%); highest among the groups gnomAD compares: Non-Finnish European, 0.000088%; no homozygotes.

Submission:

CeGaT Center for Human Genetics Tuebingen
Classification: Likely benign. Last evaluated: 2026-04-01. Review status: criteria provided, single submitter. Criteria: CeGaT Center For Human Genetics Tuebingen Variant Classification Criteria Version 2. Collection method: clinical testing. Allele origin: germline. Affected: yes. Observed: 1 variant allele.
Comment: TLK2: BP4, BP7